The following is an entry in ClinVar:

ClinVar aggregate classification (germline): Uncertain significance (1 of 4 stars; one submission).

Conditions:
Early-infantile DEE. Also called: Early infantile epileptic encephalopathy; Early infantile epileptic encephalopathy with suppression bursts; Ohtahara syndrome. Identifiers: Orphanet 1934, MedGen C0393706, MONDO:0800491.

Submission:

Labcorp Genetics (formerly Invitae), Labcorp
Classification: Uncertain significance for Early-infantile DEE. Last evaluated: 2021-08-22. Review status: criteria provided, single submitter. Criteria: Invitae Variant Classification Sherloc (09022015). Collection method: clinical testing. Allele origin: germline.
Comment: In summary, the available evidence is currently insufficient to determine the role of this variant in disease. Therefore, it has been classified as a Variant of Uncertain Significance. Advanced modeling of protein sequence and biophysical properties (such as structural, functional, and spatial information, amino acid conservation, physicochemical variation, residue mobility, and thermodynamic stability) performed at Invitae indicates that this missense variant is not expected to disrupt SCN1A protein function. This sequence change replaces threonine with alanine at codon 465 of the SCN1A protein (p.Thr465Ala). The threonine residue is moderately conserved and there is a small physicochemical difference between threonine and alanine. This variant is not present in population databases (ExAC no frequency). This variant has not been reported in the literature in individuals with SCN1A-related conditions.

NM_001165963.4(SCN1A):c.1393A>G (p.Thr465Ala)

Gene: SCN1A (sodium voltage-gated channel alpha subunit 1; minus strand). Cytogenetic location: 2q24.3.
Variant type: single nucleotide variant.
Coding change: c.1393A>G on transcript NM_001165963.4 (MANE Select); coding-DNA position 1393, A replaced by G.
Protein change: p.Thr465Ala; replaces threonine 465 with alanine.
Molecular consequence: missense variant. On other transcripts: 5 prime UTR variant (1), non-coding transcript variant (1).
Genome position (GRCh38, 1-based): chr2:166,045,312, T>C on the plus strand (A>G on the coding strand, the complement: SCN1A is on the minus strand). VCF-style: chr2-166045312-T-C. GRCh37 (hg19) VCF-style: chr2-166901822-T-C.
Other names: c.1393A>G, p.Thr465Ala (NM_001165964.3, NM_001202435.3, NM_001353948.2 and 7 more transcripts); c.1390A>G, p.Thr464Ala (NM_001353954.2, NM_001353955.2, NM_001353960.2); c.-1033A>G (NM_001353961.2); short protein forms T464A, T465A.
Identifiers: ClinVar variation 1352508 (VCV001352508.9), dbSNP rs2105852658, ClinGen allele CA349069945.